The following is an entry in ClinVar:

ClinVar aggregate classification (germline): Conflicting classifications of pathogenicity. Review status: criteria provided, conflicting classifications (1 of 4 stars). 7 submissions from 7 submitters: Uncertain significance (1); Likely benign (6). Last evaluated 2025-09-03.

Conditions:
Familial adenomatous polyposis 1 (FAP1). Also called: FAMILIAL ADENOMATOUS POLYPOSIS 1, ATTENUATED; POLYPOSIS, ADENOMATOUS INTESTINAL. Identifiers: MedGen C2713442, MONDO:0021056, OMIM 175100. Disease mechanism: loss of function.
Hereditary cancer-predisposing syndrome. Also called: Neoplastic Syndromes, Hereditary; Hereditary Cancer Syndrome; Tumor predisposition; Hereditary neoplastic syndrome. Identifiers: Orphanet 140162, MedGen C0027672, MeSH D009386, MONDO:0015356.

Allele frequency attached by ClinVar (database versions not stated): gnomAD exomes below 0.00001; TOPMed below 0.00001.
gnomAD v4.1: 1 of 1,611,374 alleles (0.000062%); highest among the groups gnomAD compares: Non-Finnish European, 0.000085%; no homozygotes.

Submissions (7):

Color Diagnostics, LLC DBA Color Health
Classification: Likely benign for Hereditary cancer-predisposing syndrome. Last evaluated: 2025-09-03. Review status: criteria provided, single submitter. Criteria: ACMG Guidelines, 2015. Collection method: clinical testing. Allele origin: germline.

Labcorp Genetics (formerly Invitae), Labcorp
Classification: Likely benign for Familial adenomatous polyposis 1. Last evaluated: 2025-07-31. Review status: criteria provided, single submitter. Criteria: Invitae Variant Classification Sherloc (09022015). Collection method: clinical testing. Allele origin: germline.

Quest Diagnostics Nichols Institute San Juan Capistrano
Classification: Uncertain significance. Last evaluated: 2025-04-16. Review status: criteria provided, single submitter. Criteria: Quest Diagnostics criteria. Collection method: clinical testing. Allele origin: unknown.
Comment: The APC c.221-5T>C variant has not been reported in individuals with APC-related conditions in the published literature. It also has not been reported in large, multi-ethnic general populations (Genome Aggregation Database). Analysis of this variant using software algorithms for the prediction of the effect of nucleotide changes on splicing yielded predictions that this variant does not affect APC mRNA splicing. Based on the available information, we are unable to determine the clinical significance of this variant.

Women's Health and Genetics/Laboratory Corporation of America, LabCorp
Classification: Likely benign. Last evaluated: 2025-04-16. Review status: criteria provided, single submitter. Criteria: LabCorp Variant Classification Summary - May 2015. Collection method: clinical testing. Allele origin: germline.
Comment: Variant summary: APC c.221-5T>C alters a non-conserved nucleotide located at a position not widely known to affect splicing. Consensus agreement among computation tools predict no significant impact on normal splicing. However, these predictions have yet to be confirmed by functional studies. The variant allele was found at a frequency of 6.2e-07 in 1604400 control chromosomes (gnomAD v4.1). The available data on variant occurrences in the general population are insufficient to allow any conclusion about variant significance. To our knowledge, no occurrence of c.221-5T>C in individuals affected with Familial Adenomatous Polyposis and no experimental evidence demonstrating its impact on protein function have been reported. ClinVar contains an entry for this variant (Variation ID: 391594). Based on the evidence outlined above, the variant was classified as likely benign.

Myriad Genetics, Inc.
Classification: Likely benign for Familial adenomatous polyposis 1. Last evaluated: 2024-02-22. Review status: criteria provided, single submitter. Criteria: Myriad Autosomal Dominant, Autosomal Recessive and X-Linked Classification Criteria (2023). Collection method: clinical testing. Allele origin: unknown.
Comment: This variant is considered likely benign. This variant is intronic and is not expected to impact mRNA splicing.

Ambry Genetics
Classification: Likely benign for Hereditary cancer-predisposing syndrome. Last evaluated: 2023-07-18. Review status: criteria provided, single submitter. Criteria: Ambry Variant Classification Scheme 2023. Collection method: clinical testing. Allele origin: germline.

GeneDx
Classification: Likely benign. Last evaluated: 2016-12-05. Review status: criteria provided, single submitter. Criteria: GeneDx Variant Classification (06012015). Collection method: clinical testing. Allele origin: germline. Affected: yes.
Comment: This variant is considered likely benign or benign based on one or more of the following criteria: it is a conservative change, it occurs at a poorly conserved position in the protein, it is predicted to be benign by multiple in silico algorithms, and/or has population frequency not consistent with disease.

NM_000038.6(APC):c.221-5T>C

Gene: APC (APC regulator of Wnt signaling pathway; plus strand). Cytogenetic location: 5q22.2.
Variant type: single nucleotide variant.
Coding change: c.221-5T>C on transcript NM_000038.6 (MANE Select); 5 bases into the intron before coding-DNA position 221, T replaced by C.
Molecular consequence: intron variant.
Genome position (GRCh38, 1-based): chr5:112,767,184, T>C. VCF-style: chr5-112767184-T-C. GRCh37 (hg19) VCF-style: chr5-112102881-T-C.
Other names: c.221-5T>C (NM_001354895.2, NM_001354896.2, NM_001354903.2 and 2 more transcripts); c.-815-5T>C (NM_001354906.2); c.44-5T>C (NM_001354900.2, NM_001354901.2, NM_001354905.2); c.251-5T>C (NM_001354897.2, NM_001354902.2, NM_001127511.3); c.146-5T>C (NM_001354898.2, NM_001354904.2).
Identifiers: ClinVar variation 391594 (VCV000391594.20), dbSNP rs1057524155, ClinGen allele CA16604759.
Genomic context (GRCh38, chr5:112,767,184, plus strand): 5'-CATTAAGAATATTTTAGACTGCTTAAAGCAATTGTTGTATAAAAACTTGTTTCTATTTTA[T>C]TTAGAGCTTAACTTAGATAGCAGTAATTTCCCTGGAGTAAAACTGCGGTCAAAAATGTCC-3'